The following is an entry in ClinVar:

NM_004933.3(CDH15):c.2122C>T (p.Pro708Ser)

Gene: CDH15 (cadherin 15; plus strand). Cytogenetic location: 16q24.3.
Variant type: single nucleotide variant.
Coding change: c.2122C>T on transcript NM_004933.3 (MANE Select); coding-DNA position 2122, C replaced by T.
Protein change: p.Pro708Ser; replaces proline 708 with serine.
Molecular consequence: missense variant.
Genome position (GRCh38, 1-based): chr16:89,193,884, C>T. VCF-style: chr16-89193884-C-T. GRCh37 (hg19) VCF-style: chr16-89260292-C-T.
Other names: short protein forms P708S.
Identifiers: ClinVar variation 3391400 (VCV003391400.1).

ClinVar aggregate classification (germline): Uncertain significance (1 of 4 stars; one submission).

Conditions:
Intellectual developmental disorder, autosomal dominant 3. Also called: Intellectual disability, autosomal dominant 3. Identifiers: MedGen C2675488, MONDO:0012946, OMIM 612580.

gnomAD v4.1: 4 of 1,612,296 alleles (0.00025%); highest among the groups gnomAD compares: South Asian, 0.0022%; no homozygotes.

Submission:

Neuberg Centre For Genomic Medicine, NCGM
Classification: Uncertain significance for Intellectual developmental disorder, autosomal dominant 3. Last evaluated: 2023-06-22. Review status: criteria provided, single submitter. Criteria: ACMG Guidelines, 2015. Collection method: clinical testing. Allele origin: germline. Inheritance: Autosomal dominant inheritance. Affected: yes.
Comment: The missense variant c.2122C>T p.Pro708Ser in the CDH15 gene has not been reported previously as a pathogenic variant nor as a benign variant, to our knowledge. This variant is absent in the gnomAD Exomes. The amino acid Proline at position 708 is changed to a Valine changing protein sequence and it might alter its composition and physico-chemical properties. Multiple lines of computational evidence SIFT - Damaging and MutationTaster - Disease causing predict a damaging effect on protein structure and function for this variant.The amino acid change p.Pro708Ser in CDH15 is predicted as conserved by GERP++ and PhyloP across 100 vertebrates. For these reasons, this variant has been classified as Uncertain Significance.